The following is an entry in ClinVar:

NM_001365536.1(SCN9A):c.4036A>G (p.Lys1346Glu)

Genes: SCN9A (sodium voltage-gated channel alpha subunit 9; minus strand), SCN1A-AS1 (SCN1A and SCN9A antisense RNA 1; plus strand). Cytogenetic location: 2q24.3.
Variant type: single nucleotide variant.
Coding change: c.4036A>G on transcript NM_001365536.1 (MANE Select); coding-DNA position 4036, A replaced by G.
Protein change: p.Lys1346Glu; replaces lysine 1346 with glutamic acid.
Molecular consequence: missense variant.
Genome position (GRCh38, 1-based): chr2:166,228,861, T>C on the plus strand (A>G on the coding strand, the complement: SCN9A is on the minus strand). VCF-style: chr2-166228861-T-C. GRCh37 (hg19) VCF-style: chr2-167085371-T-C.
Other names: c.4003A>G, p.Lys1335Glu (NM_002977.4); short protein forms K1335E, K1346E.
Identifiers: ClinVar variation 4791964 (VCV004791964.1).

ClinVar aggregate classification (germline): Uncertain significance (1 of 4 stars; one submission).

Conditions:
Neuropathy, hereditary sensory and autonomic, type 2A (HSAN2A). Also called: ACROOSTEOLYSIS, GIACCAI TYPE; ACROOSTEOLYSIS, NEUROGENIC; MORVAN DISEASE; NEUROPATHY, CONGENITAL SENSORY; NEUROPATHY, HEREDITARY SENSORY RADICULAR, AUTOSOMAL RECESSIVE; NEUROPATHY, HEREDITARY SENSORY, TYPE IIA. Identifiers: Orphanet 970, MedGen C2752089, MONDO:0024309, OMIM 201300.
Generalized epilepsy with febrile seizures plus, type 7 (GEFSP7). Also called: GEFS+, TYPE 7. Identifiers: Orphanet 36387, MedGen C2751778, MONDO:0013470, OMIM 613863.

Submission:

Labcorp Genetics (formerly Invitae), Labcorp
Classification: Uncertain significance for Neuropathy, hereditary sensory and autonomic, type 2A; Generalized epilepsy with febrile seizures plus, type 7. Last evaluated: 2025-03-23. Review status: criteria provided, single submitter. Criteria: Invitae Variant Classification Sherloc (09022015). Collection method: clinical testing. Allele origin: germline.
Comment: This sequence change replaces lysine, which is basic and polar, with glutamic acid, which is acidic and polar, at codon 1335 of the SCN9A protein (p.Lys1335Glu). This variant is not present in population databases (gnomAD no frequency). This variant has not been reported in the literature in individuals affected with SCN9A-related conditions. Invitae Evidence Modeling of protein sequence and biophysical properties (such as structural, functional, and spatial information, amino acid conservation, physicochemical variation, residue mobility, and thermodynamic stability) has been performed for this missense variant. However, the output from this modeling did not meet the statistical confidence thresholds required to predict the impact of this variant on SCN9A protein function. In summary, the available evidence is currently insufficient to determine the role of this variant in disease. Therefore, it has been classified as a Variant of Uncertain Significance.